The following is an entry in ClinVar:

NM_004380.3(CREBBP):c.6236C>T (p.Ser2079Phe)

Gene: CREBBP (CREB binding lysine acetyltransferase; minus strand). Cytogenetic location: 16p13.3.
Variant type: single nucleotide variant.
Coding change: c.6236C>T on transcript NM_004380.3 (MANE Select); coding-DNA position 6236, C replaced by T.
Protein change: p.Ser2079Phe; replaces serine 2079 with phenylalanine.
Molecular consequence: missense variant.
Genome position (GRCh38, 1-based): chr16:3,728,811, G>A on the plus strand (C>T on the coding strand, the complement: CREBBP is on the minus strand). VCF-style: chr16-3728811-G-A. GRCh37 (hg19) VCF-style: chr16-3778812-G-A.
Other names: c.6122C>T, p.Ser2041Phe (NM_001079846.1); short protein forms S2041F, S2079F.
Identifiers: ClinVar variation 4996520 (VCV004996520.1).
Genomic context (GRCh38, chr16:3,728,811, plus strand): 5'-GCTGCCATTAGCTGCGGGTTTGATTTGAGAATGTTCAGCACCTGCTGTTGCTGCTGAGGG[G>A]AGCTGGGCGACTTCAGGGTCCGCAGCAGGTCTTGCAGAGCGCTGGGTGAGATGCTCCTGG-3'
Protein context (NP_004371.2, residues 2069-2089): DLLRTLKSPS[Ser2079Phe]PQQQQQVLNI

ClinVar aggregate classification (germline): Uncertain significance (1 of 4 stars; one submission).

Conditions:
CREBBP-related disorder. Also called: CREBBP-related condition; CREBBP-related disorders.

Submission:

PreventionGenetics, part of Exact Sciences
Classification: Uncertain significance for CREBBP-related condition. Last evaluated: 2025-12-22. Review status: criteria provided, single submitter. Criteria: ACMG Guidelines, 2015. Collection method: clinical testing. Allele origin: germline.
Comment: The CREBBP c.6236C>T variant is predicted to result in the amino acid substitution p.Ser2079Phe. To our knowledge, this variant has not been reported in the literature or in a large population database (gnomAD), indicating this variant is rare. At this time, the clinical significance of this variant is uncertain due to the absence of conclusive functional and genetic evidence.